The following is an entry in ClinVar:

ClinVar aggregate classification (germline): Conflicting classifications of pathogenicity. Review status: criteria provided, conflicting classifications (1 of 4 stars). 7 submissions from 7 submitters: Uncertain significance (3); Benign (1); Likely benign (2). 1 of the submissions does not count toward it. Last evaluated 2026-01-19.

Conditions:
Asphyxiating thoracic dystrophy 3. Also called: SHORT-RIB THORACIC DYSPLASIA 3 WITH OR WITHOUT POLYDACTYLY; POLYDACTYLY WITH NEONATAL CHONDRODYSTROPHY, TYPE I; SHORT-RIB THORACIC DYSPLASIA 3/6 WITH POLYDACTYLY, DIGENIC; Short rib polydactyly syndrome 2B; Saldino-Noonan Syndrome. Identifiers: Orphanet 474, Orphanet 93269, Orphanet 93270, Orphanet 93271, MedGen C0036069, MONDO:0013127, OMIM 613091.
DYNC2H1-related disorder. Also called: DYNC2H1-related disorders; DYNC2H1-related condition. Identifiers: MedGen CN378770.
Inborn genetic diseases. Identifiers: MedGen C0950123, MeSH D030342.
Jeune thoracic dystrophy. Also called: Jeune syndrome; Infantile thoracic dystrophy; Thoracic pelvic phalangeal dystrophy; Jeune's syndrome; Chondroectodermal dysplasia-like syndrome; Short-rib thoracic dysplasia. Identifiers: Orphanet 474, MedGen C0265275, MONDO:0018770.

Allele frequency attached by ClinVar (database versions not stated): gnomAD exomes 0.00007 and 0.00021; ExAC 0.00051; gnomAD 0.00091 and 0.00093; TOPMed 0.00096; ESP Exome Variant Server 0.00101; 1000 Genomes Project 0.00160; 1000 Genomes Project 30x 0.00172.
gnomAD v4.1: 252 of 1,595,366 alleles (0.016%); highest among the groups gnomAD compares: African/African-American, 0.3%; no homozygotes.

Submissions (7):

Labcorp Genetics (formerly Invitae), Labcorp
Classification: Likely benign for Jeune thoracic dystrophy. Last evaluated: 2026-01-19. Review status: criteria provided, single submitter. Criteria: Invitae Variant Classification Sherloc (09022015). Collection method: clinical testing. Allele origin: germline.

Ambry Genetics
Classification: Uncertain significance for Inborn genetic diseases. Last evaluated: 2025-01-03. Review status: criteria provided, single submitter. Criteria: Ambry Variant Classification Scheme 2023. Collection method: clinical testing. Allele origin: germline.

Blueprint Genetics
Classification: Benign. Last evaluated: 2023-11-10. Review status: criteria provided, single submitter. Criteria: ACMG Guidelines, 2015. Collection method: clinical testing. Allele origin: germline.

Revvity Omics, Revvity
Classification: Uncertain significance for Asphyxiating thoracic dystrophy 3. Last evaluated: 2022-08-24. Review status: criteria provided, single submitter. Criteria: ACMG Guidelines, 2015. Collection method: clinical testing. Allele origin: germline.

GeneDx
Classification: Likely benign. Last evaluated: 2019-11-20. Review status: criteria provided, single submitter. Criteria: GeneDx Variant Classification Process June 2021. Collection method: clinical testing. Allele origin: germline. Affected: yes.

Eurofins Ntd Llc (ga)
Classification: Uncertain significance. Last evaluated: 2016-09-20. Review status: criteria provided, single submitter. Criteria: EGL Classification Definitions 2015. Collection method: clinical testing. Allele origin: germline. Observed: 1 variant allele, 1 heterozygote.

PreventionGenetics, part of Exact Sciences
Classification: Likely benign for DYNC2H1-related condition. Last evaluated: 2024-03-27. Review status: no assertion criteria provided. Collection method: clinical testing. Allele origin: germline. Not counted in ClinVar's aggregate classification.
Comment: This variant is classified as likely benign based on ACMG/AMP sequence variant interpretation guidelines (Richards et al. 2015 PMID: 25741868, with internal and published modifications).

NM_001377.3(DYNC2H1):c.12643A>C (p.Ile4215Leu)

Gene: DYNC2H1 (dynein cytoplasmic 2 heavy chain 1; plus strand). Cytogenetic location: 11q22.3.
Variant type: single nucleotide variant.
Coding change: c.12643A>C on transcript NM_001377.3 (MANE Select); coding-DNA position 12643, A replaced by C.
Protein change: p.Ile4215Leu; replaces isoleucine 4215 with leucine.
Molecular consequence: missense variant.
Genome position (GRCh38, 1-based): chr11:103,456,351, A>C. VCF-style: chr11-103456351-A-C. GRCh37 (hg19) VCF-style: chr11-103327079-A-C.
Other names: c.12664A>C, p.Ile4222Leu (NM_001080463.2); short protein forms I4222L, I4215L.
Identifiers: ClinVar variation 291231 (VCV000291231.25), dbSNP rs142920070, ClinGen allele CA6255630.